The following is an entry in ClinVar:

NM_176787.5(PIGN):c.2063G>A (p.Ser688Asn)

Gene: PIGN (phosphatidylinositol glycan anchor biosynthesis class N; minus strand). Cytogenetic location: 18q21.33.
Variant type: single nucleotide variant.
Coding change: c.2063G>A on transcript NM_176787.5 (MANE Select); coding-DNA position 2063, G replaced by A.
Protein change: p.Ser688Asn; replaces serine 688 with asparagine.
Molecular consequence: missense variant.
Genome position (GRCh38, 1-based): chr18:62,101,089, C>T on the plus strand (G>A on the coding strand, the complement: PIGN is on the minus strand). VCF-style: chr18-62101089-C-T. GRCh37 (hg19) VCF-style: chr18-59768322-C-T.
Other names: c.2063G>A, p.Ser688Asn (NM_012327.6); short protein forms S688N.
Identifiers: ClinVar variation 1056462 (VCV001056462.9), dbSNP rs2034417595, ClinGen allele CA402603414.

ClinVar aggregate classification (germline): Uncertain significance (1 of 4 stars; one submission).

Conditions:
Multiple congenital anomalies-hypotonia-seizures syndrome 1 (MCAHS1). Also called: PIGN-CDG; Congenital disorder of glycosylation due to PIGN deficiency; GLYCOSYLPHOSPHATIDYLINOSITOL BIOSYNTHESIS DEFECT 3. Identifiers: Orphanet 280633, MedGen C3279775, MONDO:0013563, OMIM 614080.

Allele frequency attached by ClinVar (database versions not stated): gnomAD 0.00001.
gnomAD v4.1: 2 of 1,600,668 alleles (0.00012%); highest among the groups gnomAD compares: South Asian, 0.0011%; no homozygotes.

Submission:

Labcorp Genetics (formerly Invitae), Labcorp
Classification: Uncertain significance for Multiple congenital anomalies-hypotonia-seizures syndrome 1. Last evaluated: 2020-06-21. Review status: criteria provided, single submitter. Criteria: Invitae Variant Classification Sherloc (09022015). Collection method: clinical testing. Allele origin: germline.
Comment: This variant has not been reported in the literature in individuals with PIGN-related conditions. This variant is not present in population databases (ExAC no frequency). This sequence change replaces serine with asparagine at codon 688 of the PIGN protein (p.Ser688Asn). The serine residue is moderately conserved and there is a small physicochemical difference between serine and asparagine. Algorithms developed to predict the effect of missense changes on protein structure and function are either unavailable or do not agree on the potential impact of this missense change (SIFT: "Tolerated"; PolyPhen-2: "Probably Damaging"; Align-GVGD: "Class C0"). In summary, the available evidence is currently insufficient to determine the role of this variant in disease. Therefore, it has been classified as a Variant of Uncertain Significance.